The following is an entry in ClinVar:

NM_020223.4(FAM20C):c.570C>G (p.Thr190=)

Gene: FAM20C (FAM20C golgi associated secretory pathway kinase; plus strand). Cytogenetic location: 7p22.3.
Variant type: single nucleotide variant.
Coding change: c.570C>G on transcript NM_020223.4 (MANE Select); coding-DNA position 570, C replaced by G.
Protein change: p.Thr190=; no amino-acid change (threonine 190 retained).
Molecular consequence: synonymous variant.
Genome position (GRCh38, 1-based): chr7:193,769, C>G. VCF-style: chr7-193769-C-G. GRCh37 (hg19) VCF-style: chr7-193769-C-G.
Identifiers: ClinVar variation 5040033 (VCV005040033.1).

ClinVar aggregate classification (germline): Likely benign (1 of 4 stars; one submission).

Submission:

CeGaT Center for Human Genetics Tuebingen
Classification: Likely benign. Last evaluated: 2026-07-01. Review status: criteria provided, single submitter. Criteria: CeGaT Center For Human Genetics Tuebingen Variant Classification Criteria Version 2. Collection method: clinical testing. Allele origin: germline. Affected: yes. Observed: 1 variant allele.
Comment: FAM20C: PM2:Supporting, BP4, BP7